The following is an entry in ClinVar:

NM_001256715.2(DNAAF3):c.969del (p.Trp324fs)

Genes: DNAAF3-AS1 (DNAAF3 antisense RNA 1; plus strand), DNAAF3 (dynein axonemal assembly factor 3; minus strand), LOC130065090 (ATAC-STARR-seq lymphoblastoid silent region 11016; plus strand). Cytogenetic location: 19q13.42.
Variant type: Deletion.
Coding change: c.969del on transcript NM_001256715.2 (MANE Select); coding-DNA position 969, one base deleted (C; older notation c.969delC).
Protein change: p.Trp324fs; shifts the reading frame from tryptophan 324.
Molecular consequence: frameshift variant.
Genome position (GRCh38, 1-based): chr19:55,160,719, G deleted on the plus strand (C on the coding strand, the reverse complement: DNAAF3 is on the minus strand); the first of 2 consecutive G bases (chr19:55,160,719-55,160,720); deleting either gives the same sequence. VCF-style (leftmost placement, unchanged base first): chr19-55160718-AG-A. GRCh37 (hg19) VCF-style: chr19-55672086-AG-A.
Other names: c.807del, p.Trp270fs (NM_001256716.2); c.1110del, p.Trp371fs (NM_178837.4); c.1173del, p.Trp392fs (NM_001256714.1); short protein forms W324fs, W371fs, W392fs, W270fs.
Identifiers: ClinVar variation 935186 (VCV000935186.10), dbSNP rs2085808203, ClinGen allele CA1139666610.
Genomic context (GRCh38, chr19:55,160,718, plus strand): 5'-GGCTTCCCTCCGCGTGCTGCTGCTCCTCCAGGTCCCCCCCGGTGGCTCTCGCGCGCCCCC[AG>A]GCGGCCACGTCGCGGAGCAGCTCCGTCACGTTGTGTTGAGTGATCTCCCCGGCCGTCTAA-3'

ClinVar aggregate classification (germline): Pathogenic (1 of 4 stars; one submission).

Conditions:
Primary ciliary dyskinesia. Also called: Ciliary dyskinesia. Identifiers: Orphanet 244, MedGen C0008780, MONDO:0016575, HP:0012265.

Submission:

Labcorp Genetics (formerly Invitae), Labcorp
Classification: Pathogenic for Primary ciliary dyskinesia. Last evaluated: 2019-09-18. Review status: criteria provided, single submitter. Criteria: Invitae Variant Classification Sherloc (09022015). Collection method: clinical testing. Allele origin: germline.
Comment: For these reasons, this variant has been classified as Pathogenic. This variant disrupts the C-terminus of the DNAAF3 protein. Other variant(s) that disrupt this region (p.Gln487*) have been determined to be pathogenic (Invitae). This suggests that variants that disrupt this region of the protein are likely to be causative of disease. This variant has not been reported in the literature in individuals with DNAAF3-related conditions. This variant is not present in population databases (ExAC no frequency). This sequence change results in a premature translational stop signal in the DNAAF3 gene (p.Trp392Glyfs*83). While this is not anticipated to result in nonsense mediated decay, it is expected to disrupt the last 217 amino acids of the DNAAF3 protein.